The following is an entry in ClinVar:

NM_130839.5(UBE3A):c.1708G>C (p.Glu570Gln)

Genes: SNHG14 (small nucleolar RNA host gene 14; plus strand), UBE3A (ubiquitin protein ligase E3A; minus strand). Cytogenetic location: 15q11.2.
Variant type: single nucleotide variant.
Coding change: c.1708G>C on transcript NM_130839.5 (MANE Select); coding-DNA position 1708, G replaced by C.
Protein change: p.Glu570Gln; replaces glutamic acid 570 with glutamine.
Molecular consequence: missense variant. On other transcripts: non-coding transcript variant (1).
Genome position (GRCh38, 1-based): chr15:25,360,428, C>G on the plus strand (G>C on the coding strand, the complement: UBE3A is on the minus strand). VCF-style: chr15-25360428-C-G. GRCh37 (hg19) VCF-style: chr15-25605575-C-G.
Other names: c.1717G>C, p.Glu573Gln (NM_000462.5); c.1708G>C, p.Glu570Gln (NM_001354505.1, NM_001354538.2, NM_001354545.2); c.1648G>C, p.Glu550Gln (NM_001354506.2, NM_001354507.2, NM_001354508.2 and 17 more transcripts); c.1531G>C, p.Glu511Gln (NM_001354546.2); c.457G>C, p.Glu153Gln (NM_001354550.2); c.397G>C, p.Glu133Gln (NM_001354551.2); short protein forms E133Q, E153Q, E511Q, E550Q, E570Q, E573Q.
Identifiers: ClinVar variation 1313660 (VCV001313660.4), dbSNP rs2152730028, ClinGen allele CA391352958.

ClinVar aggregate classification (germline): Uncertain significance (1 of 4 stars; one submission).

Submission:

GeneDx
Classification: Uncertain significance. Last evaluated: 2023-08-31. Review status: criteria provided, single submitter. Criteria: GeneDx Variant Classification Process June 2021. Collection method: clinical testing. Allele origin: germline. Affected: yes.
Comment: Not observed at significant frequency in large population cohorts (gnomAD); In silico analysis supports that this missense variant has a deleterious effect on protein structure/function; Has not been previously published as pathogenic or benign to our knowledge